The following is an entry in ClinVar:

NM_001164508.2(NEB):c.9619C>A (p.Arg3207Ser)

Gene: NEB (nebulin; minus strand). Cytogenetic location: 2q23.3.
Variant type: single nucleotide variant.
Coding change: c.9619C>A on transcript NM_001164508.2 (MANE Select); coding-DNA position 9619, C replaced by A.
Protein change: p.Arg3207Ser; replaces arginine 3207 with serine.
Molecular consequence: missense variant.
Genome position (GRCh38, 1-based): chr2:151,630,819, G>T on the plus strand (C>A on the coding strand, the complement: NEB is on the minus strand). VCF-style: chr2-151630819-G-T. GRCh37 (hg19) VCF-style: chr2-152487333-G-T.
Other names: c.9619C>A (NM_001271208.1); c.8890C>A (NM_004543.4); c.9619C>A, p.Arg3207Ser (NM_001164507.2, NM_001271208.2); c.8890C>A, p.Arg2964Ser (NM_004543.5); short protein forms R2964S, R3207S.
Identifiers: ClinVar variation 1489055 (VCV001489055.7), dbSNP rs200351671, ClinGen allele CA1909250.
Genomic context (GRCh38, chr2:151,630,819, plus strand): 5'-GTGTATCAGGCATTATGTGAATTTGAGTCTTGTCTTTGTCCCAGGCCTCTGTGTATAAAC[G>T]CTATAAAAGAAGATAAGATGCTGATTAAAAATCATTTGAAATAGAAATGACAAAAAGTTC-3'
Protein context (NP_001157980.2, residues 3197-3217): AKNNALNMNK[Arg3207Ser]LYTEAWDKDK

ClinVar aggregate classification (germline): Uncertain significance. Review status: criteria provided, multiple submitters, no conflicts (2 of 4 stars). 3 submissions from 3 submitters: Uncertain significance (3). Last evaluated 2024-12-09.

Conditions:
Inborn genetic diseases. Identifiers: MedGen C0950123, MeSH D030342.
Nemaline myopathy 2 (NEM2). Also called: Nemaline myopathy 2, autosomal recessive. Identifiers: MedGen C1850569, MONDO:0009725, OMIM 256030.

Allele frequency attached by ClinVar (database versions not stated): ESP Exome Variant Server 0.00008; 1000 Genomes Project 0.00060; 1000 Genomes Project 30x 0.00062.
gnomAD v4.1: 32 of 1,577,522 alleles (0.002%); highest among the groups gnomAD compares: African/African-American, 0.039%; no homozygotes.

Submissions (3):

Ambry Genetics
Classification: Uncertain significance for Inborn genetic diseases. Last evaluated: 2024-12-09. Review status: criteria provided, single submitter. Criteria: Ambry Variant Classification Scheme 2023. Collection method: clinical testing. Allele origin: germline.

Labcorp Genetics (formerly Invitae), Labcorp
Classification: Uncertain significance for Nemaline myopathy 2. Last evaluated: 2022-07-19. Review status: criteria provided, single submitter. Criteria: Invitae Variant Classification Sherloc (09022015). Collection method: clinical testing. Allele origin: germline.
Comment: This sequence change replaces arginine, which is basic and polar, with serine, which is neutral and polar, at codon 3207 of the NEB protein (p.Arg3207Ser). This variant is present in population databases (rs200351671, gnomAD 0.03%). This variant has not been reported in the literature in individuals affected with NEB-related conditions. ClinVar contains an entry for this variant (Variation ID: 1489055). Algorithms developed to predict the effect of missense changes on protein structure and function are either unavailable or do not agree on the potential impact of this missense change (SIFT: "Deleterious"; PolyPhen-2: "Not Available"; Align-GVGD: "Class C0"). In summary, the available evidence is currently insufficient to determine the role of this variant in disease. Therefore, it has been classified as a Variant of Uncertain Significance.

Revvity Omics, Revvity
Classification: Uncertain significance. Last evaluated: 2019-12-02. Review status: criteria provided, single submitter. Criteria: ACMG Guidelines, 2015. Collection method: clinical testing. Allele origin: germline.